The following is an entry in ClinVar:

NM_000170.3(GLDC):c.771A>T (p.Lys257Asn)

Gene: GLDC (glycine decarboxylase; minus strand). Cytogenetic location: 9p24.1.
Variant type: single nucleotide variant.
Coding change: c.771A>T on transcript NM_000170.3 (MANE Select); coding-DNA position 771, A replaced by T.
Protein change: p.Lys257Asn; replaces lysine 257 with asparagine.
Molecular consequence: missense variant.
Genome position (GRCh38, 1-based): chr9:6,605,221, T>A on the plus strand (A>T on the coding strand, the complement: GLDC is on the minus strand). VCF-style: chr9-6605221-T-A. GRCh37 (hg19) VCF-style: chr9-6605221-T-A.
Other names: short protein forms K257N.
Identifiers: ClinVar variation 2004291 (VCV002004291.4), dbSNP rs1183336671, ClinGen allele CA372896569.

ClinVar aggregate classification (germline): Uncertain significance (1 of 4 stars; one submission).

Conditions:
Glycine encephalopathy. Also called: Nonketotic hyperglycinemia; Non-ketotic hyperglycinemia. Identifiers: Orphanet 407, MedGen C0751748, MONDO:0011612, HP:0008288.

Allele frequency attached by ClinVar (database versions not stated): gnomAD exomes below 0.00001.
gnomAD v4.1: 1 of 1,613,232 alleles (0.000062%); no homozygotes.

Submission:

Labcorp Genetics (formerly Invitae), Labcorp
Classification: Uncertain significance for Glycine encephalopathy. Last evaluated: 2022-06-10. Review status: criteria provided, single submitter. Criteria: Invitae Variant Classification Sherloc (09022015). Collection method: clinical testing. Allele origin: germline.
Comment: Advanced modeling of protein sequence and biophysical properties (such as structural, functional, and spatial information, amino acid conservation, physicochemical variation, residue mobility, and thermodynamic stability) performed at Invitae indicates that this missense variant is not expected to disrupt GLDC protein function. In summary, the available evidence is currently insufficient to determine the role of this variant in disease. Therefore, it has been classified as a Variant of Uncertain Significance. This variant has not been reported in the literature in individuals affected with GLDC-related conditions. This variant is present in population databases (no rsID available, gnomAD 0.01%). This sequence change replaces lysine, which is basic and polar, with asparagine, which is neutral and polar, at codon 257 of the GLDC protein (p.Lys257Asn).